The following is an entry in ClinVar:

NM_001363711.2(DUOX2):c.1139A>G (p.Asn380Ser)

Gene: DUOX2 (dual oxidase 2; minus strand). Cytogenetic location: 15q21.1.
Variant type: single nucleotide variant.
Coding change: c.1139A>G on transcript NM_001363711.2 (MANE Select); coding-DNA position 1139, A replaced by G.
Protein change: p.Asn380Ser; replaces asparagine 380 with serine.
Molecular consequence: missense variant.
Genome position (GRCh38, 1-based): chr15:45,109,619, T>C on the plus strand (A>G on the coding strand, the complement: DUOX2 is on the minus strand). VCF-style: chr15-45109619-T-C. GRCh37 (hg19) VCF-style: chr15-45401817-T-C.
Other names: c.1139A>G, p.Asn380Ser (NM_014080.5); short protein forms N380S.
Identifiers: ClinVar variation 2919832 (VCV002919832.3), dbSNP rs754092576, ClinGen allele CA7538714.
Genomic context (GRCh38, chr15:45,109,619, plus strand): 5'-TCCGAAATCTGGGAGGCCATTCCCAGCAGCAGCTCATTCACCTCCTGGGTACTGTTCAGA[T>C]TGGGGTTCTGGAAGTAAACAATGCACTCAAGATAGGCCTCTACCCAAAACTCGGTCTCTC-3'
Protein context (NP_001350640.1, residues 370-390): CNNYWIRENP[Asn380Ser]LNSTQEVNEL

ClinVar aggregate classification (germline): Uncertain significance (1 of 4 stars; one submission).

Allele frequency attached by ClinVar (database versions not stated): gnomAD exomes below 0.00001; TOPMed below 0.00001; ExAC 0.00002.

Submission:

Labcorp Genetics (formerly Invitae), Labcorp
Classification: Uncertain significance. Last evaluated: 2023-11-16. Review status: criteria provided, single submitter. Criteria: Invitae Variant Classification Sherloc (09022015). Collection method: clinical testing. Allele origin: germline.
Comment: This sequence change replaces asparagine, which is neutral and polar, with serine, which is neutral and polar, at codon 380 of the DUOX2 protein (p.Asn380Ser). This variant is present in population databases (rs754092576, gnomAD 0.006%). This variant has not been reported in the literature in individuals affected with DUOX2-related conditions. Advanced modeling of protein sequence and biophysical properties (such as structural, functional, and spatial information, amino acid conservation, physicochemical variation, residue mobility, and thermodynamic stability) performed at Invitae indicates that this missense variant is not expected to disrupt DUOX2 protein function with a negative predictive value of 80%. In summary, the available evidence is currently insufficient to determine the role of this variant in disease. Therefore, it has been classified as a Variant of Uncertain Significance.